The following is an entry in ClinVar:

NM_001029896.2(WDR45):c.659_660del (p.Leu219_Phe220insTer)

Gene: WDR45 (WD repeat domain 45; minus strand). Cytogenetic location: Xp11.23.
Variant type: Deletion.
Coding change: c.659_660del on transcript NM_001029896.2 (MANE Select); coding-DNA positions 659 to 660, 2 bases deleted (TT; older notation c.659_660delTT).
Protein change: p.Leu219_Phe220insTer.
Molecular consequence: nonsense.
Genome position (GRCh38, 1-based): chrX:49,075,610-49,075,611, AA deleted on the plus strand (TT on the coding strand, the reverse complement: WDR45 is on the minus strand); deleting any 2 consecutive bases within chrX:49,075,610-49,075,612 gives the same sequence; the c. name uses the placement nearest the transcript's 3' end. VCF-style (leftmost placement, unchanged base first): chrX-49075609-CAA-C. GRCh37 (hg19) VCF-style: chrX-48933268-CAA-C.
Other names: c.662_663del, p.Leu220_Phe221insTer (NM_007075.4).
Identifiers: ClinVar variation 871501 (VCV000871501.46), dbSNP rs2065032149, ClinGen allele CA1139667521.

ClinVar aggregate classification (germline): Pathogenic. Review status: criteria provided, multiple submitters, no conflicts (2 of 4 stars). 4 submissions from 4 submitters: Pathogenic (4). Last evaluated 2025-11-02.

Conditions:
Neurodegeneration with brain iron accumulation 5 (NBIA5). Also called: STATIC ENCEPHALOPATHY OF CHILDHOOD WITH NEURODEGENERATION IN ADULTHOOD; Beta-propeller protein-associated neurodegeneration. Identifiers: Orphanet 329284, MedGen C3550973, MONDO:0010476, OMIM 300894.

Submissions (4):

Labcorp Genetics (formerly Invitae), Labcorp
Classification: Pathogenic for Neurodegeneration with brain iron accumulation 5. Last evaluated: 2025-11-02. Review status: criteria provided, single submitter. Criteria: Invitae Variant Classification Sherloc (09022015). Collection method: clinical testing. Allele origin: germline.
Comment: This sequence change creates a premature translational stop signal (p.Phe221*) in the WDR45 gene. It is expected to result in an absent or disrupted protein product. Loss-of-function variants in WDR45 are known to be pathogenic (PMID: 23176820, 24368176, 24621584, 25744623, 26790960, 27030146, 27652284, 28554332). This variant is not present in population databases (gnomAD no frequency). This premature translational stop signal has been observed in individual(s) with WDR45-related conditions (PMID: 24368176). ClinVar contains an entry for this variant (Variation ID: 871501). Algorithms developed to predict the effect of sequence changes on RNA splicing suggest that this variant may disrupt the consensus splice site. For these reasons, this variant has been classified as Pathogenic.

Institute of Human Genetics, University of Leipzig Medical Center
Classification: Pathogenic for Neurodegeneration with brain iron accumulation 5. Last evaluated: 2023-01-02. Review status: criteria provided, single submitter. Criteria: ACMG Guidelines, 2015. Collection method: clinical testing. Allele origin: unknown. Affected: yes.
Comment: _x000D_ Criteria applied: PVS1, PS4_MOD, PM2_SUP

GeneDx
Classification: Pathogenic. Last evaluated: 2022-12-05. Review status: criteria provided, single submitter. Criteria: GeneDx Variant Classification Process June 2021. Collection method: clinical testing. Allele origin: germline. Affected: yes.
Comment: Nonsense variant predicted to result in protein truncation or nonsense mediated decay in a gene for which loss of function is a known mechanism of disease; Not observed at significant frequency in large population cohorts (gnomAD); This variant is associated with the following publications: (PMID: 29981852, 24368176)

CeGaT Center for Human Genetics Tuebingen
Classification: Pathogenic. Last evaluated: 2017-11-01. Review status: criteria provided, single submitter. Criteria: CeGaT Center For Human Genetics Tuebingen Variant Classification Criteria Version 2. Collection method: clinical testing. Allele origin: germline. Affected: yes. Observed: 1 variant allele.

Literature cited by the submitters: PubMed 23176820 (cited by Labcorp Genetics (formerly Invitae), Labcorp); PubMed 24368176 (cited by Labcorp Genetics (formerly Invitae), Labcorp); PubMed 24621584 (cited by Labcorp Genetics (formerly Invitae), Labcorp); PubMed 25744623 (cited by Labcorp Genetics (formerly Invitae), Labcorp); PubMed 26790960 (cited by Labcorp Genetics (formerly Invitae), Labcorp); PubMed 27030146 (cited by Labcorp Genetics (formerly Invitae), Labcorp); PubMed 27652284 (cited by Labcorp Genetics (formerly Invitae), Labcorp); PubMed 28554332 (cited by Labcorp Genetics (formerly Invitae), Labcorp).